The following is an entry in ClinVar:

ClinVar aggregate classification (germline): Uncertain significance. Review status: criteria provided, multiple submitters, no conflicts (2 of 4 stars). 2 submissions from 2 submitters: Uncertain significance (2). Last evaluated 2025-01-30.

Conditions:
Primary pulmonary hypertension. Also called: Idiopathic pulmonary hypertension. Identifiers: MedGen C0152171.
Inborn genetic diseases. Identifiers: MedGen C0950123, MeSH D030342.

gnomAD v4.1: 4 of 1,614,040 alleles (0.00025%); highest among the groups gnomAD compares: Non-Finnish European, 0.00034%; no homozygotes.

Submissions (2):

Labcorp Genetics (formerly Invitae), Labcorp
Classification: Uncertain significance for Primary pulmonary hypertension. Last evaluated: 2025-01-30. Review status: criteria provided, single submitter. Criteria: Invitae Variant Classification Sherloc (09022015). Collection method: clinical testing. Allele origin: germline.
Comment: This sequence change replaces alanine, which is neutral and non-polar, with threonine, which is neutral and polar, at codon 796 of the BMPR2 protein (p.Ala796Thr). This variant is not present in population databases (gnomAD no frequency). This variant has not been reported in the literature in individuals affected with BMPR2-related conditions. ClinVar contains an entry for this variant (Variation ID: 3481272). Invitae Evidence Modeling of protein sequence and biophysical properties (such as structural, functional, and spatial information, amino acid conservation, physicochemical variation, residue mobility, and thermodynamic stability) indicates that this missense variant is not expected to disrupt BMPR2 protein function with a negative predictive value of 95%. In summary, the available evidence is currently insufficient to determine the role of this variant in disease. Therefore, it has been classified as a Variant of Uncertain Significance.

Ambry Genetics
Classification: Uncertain significance for Inborn genetic diseases. Last evaluated: 2024-11-18. Review status: criteria provided, single submitter. Criteria: Ambry Variant Classification Scheme 2023. Collection method: clinical testing. Allele origin: germline.
Comment: The p.A796T variant (also known as c.2386G>A), located in coding exon 12 of the BMPR2 gene, results from a G to A substitution at nucleotide position 2386. The alanine at codon 796 is replaced by threonine, an amino acid with similar properties. This amino acid position is conserved. In addition, the in silico prediction for this alteration is inconclusive. Based on the available evidence, the clinical significance of this variant remains unclear.

NM_001204.7(BMPR2):c.2386G>A (p.Ala796Thr)

Gene: BMPR2 (bone morphogenetic protein receptor type 2; plus strand). Cytogenetic location: 2q33.2.
Variant type: single nucleotide variant.
Coding change: c.2386G>A on transcript NM_001204.7 (MANE Select); coding-DNA position 2386, G replaced by A.
Protein change: p.Ala796Thr; replaces alanine 796 with threonine.
Molecular consequence: missense variant.
Genome position (GRCh38, 1-based): chr2:202,556,051, G>A. VCF-style: chr2-202556051-G-A. GRCh37 (hg19) VCF-style: chr2-203420774-G-A.
Other names: short protein forms A796T.
Identifiers: ClinVar variation 3481272 (VCV003481272.3).